The following is an entry in ClinVar:

NM_003227.4(TFR2):c.1330G>A (p.Ala444Thr)

Gene: TFR2 (transferrin receptor 2; minus strand). Cytogenetic location: 7q22.1.
Variant type: single nucleotide variant.
Coding change: c.1330G>A on transcript NM_003227.4 (MANE Select); coding-DNA position 1330, G replaced by A.
Protein change: p.Ala444Thr; replaces alanine 444 with threonine.
Molecular consequence: missense variant.
Genome position (GRCh38, 1-based): chr7:100,629,313, C>T on the plus strand (G>A on the coding strand, the complement: TFR2 is on the minus strand). VCF-style: chr7-100629313-C-T. GRCh37 (hg19) VCF-style: chr7-100226936-C-T.
Other names: c.817G>A, p.Ala273Thr (NM_001206855.3); short protein forms A444T, A273T.
Identifiers: ClinVar variation 21364 (VCV000021364.5), dbSNP rs80338884, ClinGen allele CA341975.

ClinVar aggregate classification (germline): Conflicting classifications of pathogenicity. Review status: criteria provided, conflicting classifications (1 of 4 stars). 3 submissions from 3 submitters: Likely pathogenic (1); Uncertain significance (1). 1 of the submissions does not count toward it. Last evaluated 2023-03-28.

Conditions:
Hemochromatosis type 3 (HFE3). Also called: TFR2-Related Hemochromatosis; HEMOCHROMATOSIS DUE TO DEFECT IN TRANSFERRIN RECEPTOR 2; Hereditary hemochromatosis type 3. Identifiers: Orphanet 225123, MedGen C1858664, MONDO:0011417, OMIM 604250.

Allele frequency attached by ClinVar (database versions not stated): TOPMed below 0.00001; gnomAD 0.00001; gnomAD exomes below 0.00001.
gnomAD v4.1: 4 of 1,614,010 alleles (0.00025%); highest among the groups gnomAD compares: Admixed American, 0.0017%; no homozygotes.

Submissions (3):

Baylor Genetics
Classification: Likely pathogenic for Hemochromatosis type 3. Last evaluated: 2023-03-28. Review status: criteria provided, single submitter. Criteria: ACMG Guidelines, 2015. Collection method: clinical testing. Allele origin: unknown.

Victorian Clinical Genetics Services, Murdoch Childrens Research Institute
Classification: Uncertain significance for Hemochromatosis type 3. Last evaluated: 2020-10-19. Review status: criteria provided, single submitter. Criteria: ACMG Guidelines, 2015. Collection method: clinical testing. Allele origin: germline. Inheritance: Autosomal recessive inheritance. Affected: yes.
Comment: Based on the classification scheme VCGS_Germline_v1.3.3, this variant is classified as 3B-VUS. Following criteria are met: 0102 - Loss of function is a known mechanism of disease in this gene and is associated with hemochromatosis type 3 (MIM#604250). (I) 0106 - This gene is associated with autosomal recessive disease. (I) 0200 - Variant is predicted to result in a missense amino acid change from alanine to threonine. (I) 0251 - This variant is heterozygous. (I) 0304 - Variant is present in gnomAD <0.01 for a recessive condition (2 heterozygotes, 0 homozygotes). (SP) 0503 - Missense variant consistently predicted to be tolerated by multiple in silico tools or not conserved in placental mammals with a minor amino acid change. (SB) 0600 - Variant is located in the annotated peptidase family M28 domain (NCBI, PDB). (I) 0705 - No comparable missense variants have previous evidence for pathogenicity. (I) 0803 - This variant has limited previous evidence of pathogenicity in an unrelated individual. This variant has been reported in compound heterozygous state in one individual with hemochromatosis type 3 (MIM#604250) (ClinVar, PMID: 18245657). (SP) 0905 - No published segregation evidence has been identified for this variant. (I) 1007 - No published functional evidence has been identified for this variant. (I) 1208 - Inheritance information for this variant is not currently available in this individual. (I) Legend: (SP) - Supporting pathogenic, (I) - Information, (SB) - Supporting benign

GeneReviews
No classification provided. Condition: Hemochromatosis type 3. Review status: no classification provided. Collection method: literature only. Allele origin: unknown. Not counted in ClinVar's aggregate classification.

Literature cited by the submitters: PubMed 18245657 (cited by Victorian Clinical Genetics Services, Murdoch Childrens Research Institute and GeneReviews); PubMed 20301523 (cited by GeneReviews); NCBI Bookshelf NBK1349 (cited by GeneReviews).